The following is an entry in ClinVar:

ClinVar aggregate classification (germline): Likely benign. Review status: criteria provided, multiple submitters, no conflicts (2 of 4 stars). 2 submissions from 2 submitters: Likely benign (2). Last evaluated 2025-08-04.

Conditions:
PLXNA3-related disorder. Also called: PLXNA3-related condition.

Allele frequency attached by ClinVar (database versions not stated): gnomAD 0.00001; ExAC 0.00002.

Submissions (2):

PreventionGenetics, part of Exact Sciences
Classification: Likely benign for PLXNA3-related condition. Last evaluated: 2025-08-04. Review status: criteria provided, single submitter. Criteria: ACMG Guidelines, 2015. Collection method: clinical testing. Allele origin: germline.
Comment: This variant is classified as likely benign based on ACMG/AMP sequence variant interpretation guidelines (Richards et al. 2015 PMID: 25741868, with internal and published modifications).

CeGaT Center for Human Genetics Tuebingen
Classification: Likely benign. Last evaluated: 2024-01-01. Review status: criteria provided, single submitter. Criteria: CeGaT Center For Human Genetics Tuebingen Variant Classification Criteria Version 2. Collection method: clinical testing. Allele origin: germline. Affected: yes. Observed: 1 variant allele.
Comment: PLXNA3: BP4, BP7, BS2

NM_017514.5(PLXNA3):c.2772G>A (p.Thr924=)

Gene: PLXNA3 (plexin A3; plus strand). Cytogenetic location: Xq28.
Variant type: single nucleotide variant.
Coding change: c.2772G>A on transcript NM_017514.5 (MANE Select); coding-DNA position 2772, G replaced by A.
Protein change: p.Thr924=; no amino-acid change (threonine 924 retained).
Molecular consequence: synonymous variant.
Genome position (GRCh38, 1-based): chrX:154,466,243, G>A. VCF-style: chrX-154466243-G-A. GRCh37 (hg19) VCF-style: chrX-153694586-G-A.
Identifiers: ClinVar variation 3026011 (VCV003026011.23), dbSNP rs781801174, ClinGen allele CA10564471.